The following is an entry in ClinVar:

NM_001042492.3(NF1):c.8441G>A (p.Arg2814His)

Gene: NF1 (neurofibromin 1; plus strand). Cytogenetic location: 17q11.2.
Variant type: single nucleotide variant.
Coding change: c.8441G>A on transcript NM_001042492.3 (MANE Select); coding-DNA position 8441, G replaced by A.
Protein change: p.Arg2814His; replaces arginine 2814 with histidine.
Molecular consequence: missense variant.
Genome position (GRCh38, 1-based): chr17:31,374,076, G>A. VCF-style: chr17-31374076-G-A. GRCh37 (hg19) VCF-style: chr17-29701094-G-A.
Other names: c.8378G>A, p.Arg2793His (NM_000267.4); short protein forms R2793H, R2814H.
Identifiers: ClinVar variation 3634619 (VCV003634619.2).

ClinVar aggregate classification (germline): Uncertain significance (1 of 4 stars; one submission).

Conditions:
Neurofibromatosis, type 1 (NF1). Also called: VON RECKLINGHAUSEN DISEASE; Peripheral type neurofibromatosis; NEUROFIBROMATOSIS, TYPE I, SOMATIC; Neurofibromatosis, type I. Identifiers: Orphanet 636, MedGen C0027831, MONDO:0018975, OMIM 162200. Disease mechanism: loss of function.

Submission:

Labcorp Genetics (formerly Invitae), Labcorp
Classification: Uncertain significance for Neurofibromatosis, type 1. Last evaluated: 2024-05-09. Review status: criteria provided, single submitter. Criteria: Invitae Variant Classification Sherloc (09022015). Collection method: clinical testing. Allele origin: germline.
Comment: This sequence change replaces arginine, which is basic and polar, with histidine, which is basic and polar, at codon 2793 of the NF1 protein (p.Arg2793His). This variant is not present in population databases (gnomAD no frequency). This variant has not been reported in the literature in individuals affected with NF1-related conditions. Advanced modeling of protein sequence and biophysical properties (such as structural, functional, and spatial information, amino acid conservation, physicochemical variation, residue mobility, and thermodynamic stability) has been performed at Invitae for this missense variant, however the output from this modeling did not meet the statistical confidence thresholds required to predict the impact of this variant on NF1 protein function. In summary, the available evidence is currently insufficient to determine the role of this variant in disease. Therefore, it has been classified as a Variant of Uncertain Significance.